The following is an entry in ClinVar:

NM_002618.4(PEX13):c.311G>A (p.Gly104Asp)

Gene: PEX13 (peroxisomal biogenesis factor 13; plus strand). Cytogenetic location: 2p15.
Variant type: single nucleotide variant.
Coding change: c.311G>A on transcript NM_002618.4 (MANE Select); coding-DNA position 311, G replaced by A.
Protein change: p.Gly104Asp; replaces glycine 104 with aspartic acid.
Molecular consequence: missense variant.
Genome position (GRCh38, 1-based): chr2:61,031,637, G>A. VCF-style: chr2-61031637-G-A. GRCh37 (hg19) VCF-style: chr2-61258772-G-A.
Other names: short protein forms G104D.
Identifiers: ClinVar variation 1053817 (VCV001053817.7), dbSNP rs773664586, ClinGen allele CA1673274.

ClinVar aggregate classification (germline): Uncertain significance (1 of 4 stars; one submission).

Conditions:
Peroxisome biogenesis disorder 11A (Zellweger). Also called: Peroxisome biogenesis disorder 11A. Identifiers: Orphanet 912, MedGen C3554000, MONDO:0013949, OMIM 614883.

Allele frequency attached by ClinVar (database versions not stated): TOPMed below 0.00001; gnomAD exomes 0.00001; ExAC 0.00002.
gnomAD v4.1: 3 of 1,614,128 alleles (0.00019%); highest among the groups gnomAD compares: Non-Finnish European, 0.00025%; no homozygotes.

Submission:

Labcorp Genetics (formerly Invitae), Labcorp
Classification: Uncertain significance for Peroxisome biogenesis disorder 11A (Zellweger). Last evaluated: 2022-01-06. Review status: criteria provided, single submitter. Criteria: Invitae Variant Classification Sherloc (09022015). Collection method: clinical testing. Allele origin: germline.
Comment: This sequence change replaces glycine, which is neutral and non-polar, with aspartic acid, which is acidic and polar, at codon 104 of the PEX13 protein (p.Gly104Asp). This variant is present in population databases (rs773664586, gnomAD 0.003%). This variant has not been reported in the literature in individuals affected with PEX13-related conditions. ClinVar contains an entry for this variant (Variation ID: 1053817). Algorithms developed to predict the effect of missense changes on protein structure and function are either unavailable or do not agree on the potential impact of this missense change (SIFT: "Deleterious"; PolyPhen-2: "Benign"; Align-GVGD: "Class C65"). In summary, the available evidence is currently insufficient to determine the role of this variant in disease. Therefore, it has been classified as a Variant of Uncertain Significance.